The following is an entry in ClinVar:

ClinVar aggregate classification (germline): Uncertain significance. Review status: criteria provided, multiple submitters, no conflicts (2 of 4 stars). 2 submissions from 2 submitters: Uncertain significance (2). Last evaluated 2025-08-15.

Allele frequency attached by ClinVar (database versions not stated): TOPMed below 0.00001; gnomAD 0.00001; ESP Exome Variant Server 0.00008.
gnomAD v4.1: 4 of 1,613,990 alleles (0.00025%); highest among the groups gnomAD compares: East Asian, 0.0022%; no homozygotes.

Submissions (2):

GeneDx
Classification: Uncertain significance. Last evaluated: 2025-08-15. Review status: criteria provided, single submitter. Criteria: GeneDx Variant Classification Process June 2021. Collection method: clinical testing. Allele origin: germline. Affected: yes.
Comment: Not observed at significant frequency in large population cohorts (gnomAD); In silico analysis suggests that this missense variant does not alter protein structure/function; Has not been previously published as pathogenic or benign to our knowledge

Labcorp Genetics (formerly Invitae), Labcorp
Classification: Uncertain significance. Last evaluated: 2022-11-02. Review status: criteria provided, single submitter. Criteria: Invitae Variant Classification Sherloc (09022015). Collection method: clinical testing. Allele origin: germline.
Comment: In summary, the available evidence is currently insufficient to determine the role of this variant in disease. Therefore, it has been classified as a Variant of Uncertain Significance. Algorithms developed to predict the effect of missense changes on protein structure and function output the following: SIFT: "Deleterious"; PolyPhen-2: "Benign"; Align-GVGD: "Class C25". The isoleucine amino acid residue is found in multiple mammalian species, which suggests that this missense change does not adversely affect protein function. ClinVar contains an entry for this variant (Variation ID: 1468436). This variant has not been reported in the literature in individuals affected with NDUFA9-related conditions. This variant is present in population databases (rs368824479, gnomAD 0.007%). This sequence change replaces valine, which is neutral and non-polar, with isoleucine, which is neutral and non-polar, at codon 69 of the NDUFA9 protein (p.Val69Ile).

NM_005002.5(NDUFA9):c.205G>A (p.Val69Ile)

Gene: NDUFA9 (NADH:ubiquinone oxidoreductase subunit A9; plus strand). Cytogenetic location: 12p13.32.
Variant type: single nucleotide variant.
Coding change: c.205G>A on transcript NM_005002.5 (MANE Select); coding-DNA position 205, G replaced by A.
Protein change: p.Val69Ile; replaces valine 69 with isoleucine.
Molecular consequence: missense variant.
Genome position (GRCh38, 1-based): chr12:4,654,447, G>A. VCF-style: chr12-4654447-G-A. GRCh37 (hg19) VCF-style: chr12-4763613-G-A.
Other names: c.205G>A (NM_005002.4); short protein forms V69I.
Identifiers: ClinVar variation 1468436 (VCV001468436.9), dbSNP rs368824479, ClinGen allele CA6398018.